The following is an entry in ClinVar:

NM_018706.7(DHTKD1):c.2362T>C (p.Phe788Leu)

Gene: DHTKD1 (dehydrogenase E1 and transketolase domain containing 1; plus strand). Cytogenetic location: 10p14.
Variant type: single nucleotide variant.
Coding change: c.2362T>C on transcript NM_018706.7 (MANE Select); coding-DNA position 2362, T replaced by C.
Protein change: p.Phe788Leu; replaces phenylalanine 788 with leucine.
Molecular consequence: missense variant.
Genome position (GRCh38, 1-based): chr10:12,117,715, T>C. VCF-style: chr10-12117715-T-C. GRCh37 (hg19) VCF-style: chr10-12159714-T-C.
Other names: short protein forms F788L.
Identifiers: ClinVar variation 2831668 (VCV002831668.3), dbSNP rs1232269945, ClinGen allele CA376015018.
Genomic context (GRCh38, chr10:12,117,715, plus strand): 5'-GCCTCTTCTCCCTCGTAGGCAGCCGTGTCAACTCTTCAAGAAATGGCACCAGGAACAACA[T>C]TTAACCCGGTCATTGGTGATTCATCTGTGGATCCAAAAAAGTAAGATATGTATCTCTGTT-3'
Protein context (NP_061176.4, residues 778-798): TLQEMAPGTT[Phe788Leu]NPVIGDSSVD

ClinVar aggregate classification (germline): Uncertain significance (1 of 4 stars; one submission).

Conditions:
2-aminoadipic 2-oxoadipic aciduria (AAKAD). Also called: ALPHA-AMINOADIPIC AND ALPHA-KETOADIPIC ACIDURIA; Aminoadipic aciduria. Identifiers: Orphanet 79154, MedGen C1859817, MONDO:0008774, OMIM 204750.

Allele frequency attached by ClinVar (database versions not stated): gnomAD exomes 0.00001.
gnomAD v4.1: 9 of 1,607,980 alleles (0.00056%); highest among the groups gnomAD compares: African/African-American, 0.0013%; no homozygotes.

Submission:

Labcorp Genetics (formerly Invitae), Labcorp
Classification: Uncertain significance for 2-aminoadipic 2-oxoadipic aciduria. Last evaluated: 2023-01-24. Review status: criteria provided, single submitter. Criteria: Invitae Variant Classification Sherloc (09022015). Collection method: clinical testing. Allele origin: germline.
Comment: In summary, the available evidence is currently insufficient to determine the role of this variant in disease. Therefore, it has been classified as a Variant of Uncertain Significance. Advanced modeling of protein sequence and biophysical properties (such as structural, functional, and spatial information, amino acid conservation, physicochemical variation, residue mobility, and thermodynamic stability) performed at Invitae indicates that this missense variant is not expected to disrupt DHTKD1 protein function. This variant has not been reported in the literature in individuals affected with DHTKD1-related conditions. This variant is present in population databases (no rsID available, gnomAD 0.007%). This sequence change replaces phenylalanine, which is neutral and non-polar, with leucine, which is neutral and non-polar, at codon 788 of the DHTKD1 protein (p.Phe788Leu).